The following is an entry in ClinVar:

NM_182961.4(SYNE1):c.6289G>C (p.Ala2097Pro)

Gene: SYNE1 (spectrin repeat containing nuclear envelope protein 1; minus strand). Cytogenetic location: 6q25.2.
Variant type: single nucleotide variant.
Coding change: c.6289G>C on transcript NM_182961.4 (MANE Select); coding-DNA position 6289, G replaced by C.
Protein change: p.Ala2097Pro; replaces alanine 2097 with proline.
Molecular consequence: missense variant.
Genome position (GRCh38, 1-based): chr6:152,409,651, C>G on the plus strand (G>C on the coding strand, the complement: SYNE1 is on the minus strand). VCF-style: chr6-152409651-C-G. GRCh37 (hg19) VCF-style: chr6-152730786-C-G.
Other names: c.6310G>C, p.Ala2104Pro (NM_033071.5); short protein forms A2104P, A2097P.
Identifiers: ClinVar variation 953509 (VCV000953509.14), dbSNP rs375773340, ClinGen allele CA4058118.
Genomic context (GRCh38, chr6:152,409,651, plus strand): 5'-CTTTTATGGTAGTTCTGGTTACAATCACACTGCTGGCATTTTCTAAGACTTTAGATACAG[C>G]TGATTTCAGGTTCTGATATTCTCTCATTAAGTCAATAAGTCCACAGCACTGACCCTGACT-3'
Protein context (NP_892006.3, residues 2087-2107): LMREYQNLKS[Ala2097Pro]VSKVLENASS

ClinVar aggregate classification (germline): Conflicting classifications of pathogenicity. Review status: criteria provided, conflicting classifications (1 of 4 stars). 4 submissions from 4 submitters: Uncertain significance (3); Likely benign (1). Last evaluated 2026-01-05.

Conditions:
Emery-Dreifuss muscular dystrophy 4, autosomal dominant (EDMD4). Also called: EMERY-DREIFUSS MUSCULAR DYSTROPHY 4 WITH VARIABLE FEATURES. Identifiers: Orphanet 261, MedGen C2751807, MONDO:0013071, OMIM 612998.
Autosomal recessive ataxia, Beauce type. Also called: SYNE1 Deficiency; ATAXIA, RECESSIVE, OF BEAUCE; Spinocerebellar ataxia, autosomal recessive 8; SYNE1-Related Autosomal Recessive Cerebellar Ataxia. Identifiers: Orphanet 88644, MedGen C1853116, MONDO:0012549, OMIM 610743.

Allele frequency attached by ClinVar (database versions not stated): TOPMed 0.00002; ExAC 0.00003; gnomAD exomes 0.00004 and 0.00013; ESP Exome Variant Server 0.00008.
gnomAD v4.1: 189 of 1,613,730 alleles (0.012%); highest among the groups gnomAD compares: Non-Finnish European, 0.015%; no homozygotes.

Submissions (4):

Labcorp Genetics (formerly Invitae), Labcorp
Classification: Uncertain significance for Emery-Dreifuss muscular dystrophy 4, autosomal dominant; Autosomal recessive ataxia, Beauce type. Last evaluated: 2026-01-05. Review status: criteria provided, single submitter. Criteria: Invitae Variant Classification Sherloc (09022015). Collection method: clinical testing. Allele origin: germline.
Comment: This sequence change replaces alanine, which is neutral and non-polar, with proline, which is neutral and non-polar, at codon 2104 of the SYNE1 protein (p.Ala2104Pro). This variant is present in population databases (rs375773340, gnomAD 0.01%). This variant has not been reported in the literature in individuals affected with SYNE1-related conditions. ClinVar contains an entry for this variant (Variation ID: 953509). An algorithm developed to predict the effect of missense changes on protein structure and function (PolyPhen-2) suggests that this variant is likely to be tolerated. In summary, the available evidence is currently insufficient to determine the role of this variant in disease. Therefore, it has been classified as a Variant of Uncertain Significance.

Athena Diagnostics
Classification: Uncertain significance. Last evaluated: 2024-07-11. Review status: criteria provided, single submitter. Criteria: Athena Diagnostics Criteria. Collection method: clinical testing. Allele origin: unknown.
Comment: Available data are insufficient to determine the clinical significance of the variant at this time. The frequency of this variant in the general population is uninformative in assessment of its pathogenicity. Polyphen and MutationTaster predict this amino acid change may be benign.

Revvity Omics, Revvity
Classification: Uncertain significance. Last evaluated: 2024-05-27. Review status: criteria provided, single submitter. Criteria: ACMG Guidelines, 2015. Collection method: clinical testing. Allele origin: germline.

Blueprint Genetics
Classification: Likely benign. Last evaluated: 2018-10-08. Review status: criteria provided, single submitter. Criteria: ACMG Guidelines, 2015. Collection method: clinical testing. Allele origin: germline.